The following is an entry in ClinVar:

NM_000260.4(MYO7A):c.4838del (p.Asp1613fs)

Gene: MYO7A (myosin VIIA; plus strand). Cytogenetic location: 11q13.5.
Variant type: Deletion.
Coding change: c.4838del on transcript NM_000260.4 (MANE Select); coding-DNA position 4838, one base deleted (A; older notation c.4838delA).
Protein change: p.Asp1613fs; shifts the reading frame from aspartic acid 1613.
Molecular consequence: frameshift variant.
Genome position (GRCh38, 1-based): chr11:77,199,804, A deleted. VCF-style (leftmost placement, unchanged base first): chr11-77199803-GA-G. GRCh37 (hg19) VCF-style: chr11-76910848-GA-G.
Other names: NP_000251.3:p.(Asp1613ValfsTer32); p.Asp1613ValfsTer32; c.4838delA (NM_000260.4); c.4724del, p.Asp1575fs (NM_001127180.2); c.4691del, p.Asp1564fs (NM_001369365.1); short protein forms D1575fs, D1613fs, D1564fs.
Identifiers: ClinVar variation 438178 (VCV000438178.17), dbSNP rs1199012623, ClinGen allele CA475796669.

ClinVar aggregate classification (germline): Pathogenic. Review status: criteria provided, multiple submitters, no conflicts (2 of 4 stars). 8 submissions from 8 submitters: Pathogenic (4). 4 of the submissions do not count toward it. Last evaluated 2025-12-29.

Conditions:
Hearing loss, autosomal recessive. Also called: Rare autosomal recessive non-syndromic sensorineural deafness type DFNB; Deafness, autosomal recessive; Nonsyndromic Hearing Loss, Recessive; Autosomal recessive nonsyndromic deafness. Identifiers: Orphanet 90635, Orphanet 90636, MedGen C1846647, MONDO:0019588, OMIM 607197.
Autosomal recessive nonsyndromic hearing loss 2. Also called: NEUROSENSORY NONSYNDROMIC RECESSIVE DEAFNESS 2; DEAFNESS, AUTOSOMAL RECESSIVE 2. Identifiers: Orphanet 90636, MedGen C1838701, MONDO:0010807, OMIM 600060.
Usher/hearing loss.
Retinal dystrophy. Also called: Inherited retinal dystrophy. Identifiers: Orphanet 71862, MedGen C0854723, MeSH D058499, MONDO:0019118, HP:0000556.
Usher syndrome type 1 (USH1). Also called: RETINITIS PIGMENTOSA AND CONGENITAL DEAFNESS. Identifiers: Orphanet 231169, Orphanet 886, MedGen C1568247, MONDO:0010168, OMIM 276900.
Usher syndrome. Also called: Usher Syndromes; Usher's syndrome. Identifiers: Orphanet 886, MedGen CN469326, MeSH D052245, MONDO:0019501. Disease mechanism: loss of function.

Allele frequency attached by ClinVar (database versions not stated): gnomAD 0.00001; gnomAD exomes 0.00001 and below 0.00001.

Submissions (8):

3billion
Classification: Pathogenic for Autosomal recessive nonsyndromic hearing loss 2. Last evaluated: 2025-12-29. Review status: criteria provided, single submitter. Criteria: ACMG Guidelines, 2015. Collection method: clinical testing. Allele origin: germline. Affected: yes.
Comment: The variant is observed at an extremely low frequency in the gnomAD v4.1.0 dataset (total allele frequency: <0.001%). Predicted Consequence/Location: Frameshift: predicted to result in a loss or disruption of normal protein function through nonsense-mediated decay (NMD) or protein truncation. Multiple pathogenic variants are reported downstream of the variant. The variant has been reported at least twice as pathogenic without evidence for the classification (ClinVar ID: VCV000438178 /PMID: 18181211 /3billion dataset). Therefore, this variant is classified as Pathogenic according to the recommendation of ACMG/AMP guideline.

Women's Health and Genetics/Laboratory Corporation of America, LabCorp
Classification: Pathogenic for Usher syndrome. Last evaluated: 2025-04-23. Review status: criteria provided, single submitter. Criteria: LabCorp Variant Classification Summary - May 2015. Collection method: clinical testing. Allele origin: germline.
Comment: Variant summary: MYO7A c.4838delA (p.Asp1613ValfsX32) results in a premature termination codon, predicted to cause a truncation of the encoded protein or absence of the protein due to nonsense mediated decay, which are commonly known mechanisms for disease. The variant allele was found at a frequency of 8.3e-06 in 241422 control chromosomes (gnomAD). c.4838delA has been observed in multiple individuals affected with Usher Syndrome (Shahzad_2013, Richard_2018). These data indicate that the variant is very likely to be associated with disease. To our knowledge, no experimental evidence demonstrating an impact on protein function has been reported. The following publications have been ascertained in the context of this evaluation (PMID: 30303587, 23770805). ClinVar contains an entry for this variant (Variation ID: 438178). Based on the evidence outlined above, the variant was classified as pathogenic.

Ophthalmic Genetics Group, Institute of Molecular and Clinical Ophthalmology Basel
Classification: Pathogenic for Retinal dystrophy. Last evaluated: 2024-05-27. Review status: criteria provided, single submitter. Criteria: ACMG Guidelines, 2015. Collection method: research. Allele origin: germline. Affected: yes. Observed: 10 variant alleles.
Comment: This variant was classified as Pathogenic based on ACMG criteria: PVS1_very strong, PS4_mod and PM2_mod,

Labcorp Genetics (formerly Invitae), Labcorp
Classification: Pathogenic. Last evaluated: 2023-08-04. Review status: criteria provided, single submitter. Criteria: Invitae Variant Classification Sherloc (09022015). Collection method: clinical testing. Allele origin: germline.
Comment: For these reasons, this variant has been classified as Pathogenic. Algorithms developed to predict the effect of sequence changes on RNA splicing suggest that this variant may create or strengthen a splice site. ClinVar contains an entry for this variant (Variation ID: 438178). This premature translational stop signal has been observed in individual(s) with Usher syndrome (PMID: 18181211). This variant is present in population databases (no rsID available, gnomAD 0.007%). This sequence change creates a premature translational stop signal (p.Asp1613Valfs*32) in the MYO7A gene. It is expected to result in an absent or disrupted protein product. Loss-of-function variants in MYO7A are known to be pathogenic (PMID: 8900236, 25404053).

Hong-Tao Li Lab, Institute of Brain Science and Brain-inspired Research, Shandong First Medical University & Shandong Academy of Medical Sciences China
Classification: Pathogenic for Usher/hearing loss. Last evaluated: 2026-06-28. Review status: no assertion criteria provided. Collection method: research. Allele origin: germline. Inheritance: Autosomal recessive inheritance. Affected: yes. Observed: 1 variant allele, 1 homozygote. Not counted in ClinVar's aggregate classification.

Counsyl
Classification: Pathogenic for Usher syndrome type 1; Autosomal recessive nonsyndromic hearing loss 2. Last evaluated: 2018-01-03. Review status: no assertion criteria provided. Collection method: clinical testing. Allele origin: unknown. Not counted in ClinVar's aggregate classification.

NIHR Bioresource Rare Diseases, University of Cambridge
Classification: Pathogenic for Usher syndrome. Last evaluated: 2015-01-01. Review status: no assertion criteria provided. Collection method: research. Allele origin: unknown. Affected: yes. Observed: 1 variant allele. Not counted in ClinVar's aggregate classification.

University of Washington Center for Mendelian Genomics, University of Washington
Classification: Likely pathogenic for non-syndromic autosomal recessive hearing loss. Review status: no assertion criteria provided. Collection method: research. Allele origin: inherited. Affected: yes. Not counted in ClinVar's aggregate classification.

Literature cited by the submitters: PubMed 18181211 (cited by 4 submitters); PubMed 30303587 (cited by Women's Health and Genetics/Laboratory Corporation of America, LabCorp and University of Washington Center for Mendelian Genomics, University of Washington); PubMed 23770805 (cited by Women's Health and Genetics/Laboratory Corporation of America, LabCorp); PubMed 40180963 (cited by Ophthalmic Genetics Group, Institute of Molecular and Clinical Ophthalmology Basel); PubMed 8900236 (cited by Labcorp Genetics (formerly Invitae), Labcorp); PubMed 25404053 (cited by Labcorp Genetics (formerly Invitae), Labcorp); PubMed 22135276 (cited by Counsyl); PubMed 28041643 (cited by NIHR Bioresource Rare Diseases, University of Cambridge).